The following is an entry in ClinVar:

ClinVar aggregate classification (germline): Uncertain significance (1 of 4 stars; one submission).

Submission:

GeneDx
Classification: Uncertain significance. Last evaluated: 2024-12-11. Review status: criteria provided, single submitter. Criteria: GeneDx Variant Classification Process June 2021. Collection method: clinical testing. Allele origin: germline. Affected: yes.
Comment: Not observed at significant frequency in large population cohorts (gnomAD); In silico analysis indicates that this missense variant does not alter protein structure/function; Has not been previously published as pathogenic or benign to our knowledge

NM_014727.3(KMT2B):c.1429A>T (p.Ser477Cys)

Gene: KMT2B (lysine methyltransferase 2B; plus strand). Cytogenetic location: 19q13.12.
Variant type: single nucleotide variant.
Coding change: c.1429A>T on transcript NM_014727.3 (MANE Select); coding-DNA position 1429, A replaced by T.
Protein change: p.Ser477Cys; replaces serine 477 with cysteine.
Molecular consequence: missense variant.
Genome position (GRCh38, 1-based): chr19:35,720,776, A>T. VCF-style: chr19-35720776-A-T. GRCh37 (hg19) VCF-style: chr19-36211678-A-T.
Other names: short protein forms S477C.
Identifiers: ClinVar variation 3902992 (VCV003902992.1).
Genomic context (GRCh38, chr19:35,720,776, plus strand): 5'-CCTCCTCCTGTGGTCCCAGCTACGTGCTCCAGGAAGAGGGGCCGGCCTCCCCTGACTCCC[A>T]GCCAGCGGGCGGAGCGGGAAGCTGCTCGGGCAGGGCCAGAGGGCACCTCTCCTCCCACTC-3'
Protein context (NP_055542.1, residues 467-487): RKRGRPPLTP[Ser477Cys]QRAEREAARA